The following is an entry in ClinVar:

ClinVar aggregate classification (germline): Benign (1 of 4 stars; one submission).

Conditions:
Symmetrical dyschromatosis of extremities (DSH). Also called: Dyschromatosis symmetrica hereditaria; DYSCHROMATOSIS SYMMETRICA HEREDITARIA 1; RETICULATE ACROPIGMENTATION OF DOHI; SYMMETRIC DYSCHROMATOSIS OF THE EXTREMITIES. Identifiers: Orphanet 41, MedGen C0406775, MONDO:0007483, OMIM 127400.

Allele frequency attached by ClinVar (database versions not stated): gnomAD 0.00060 and 0.00063; 1000 Genomes Project 30x 0.00047; TOPMed 0.00057; 1000 Genomes Project 0.00060.

Submission:

Illumina Laboratory Services, Illumina
Classification: Benign for Symmetrical dyschromatosis of extremities. Last evaluated: 2018-01-13. Review status: criteria provided, single submitter. Criteria: ICSL Variant Classification Criteria 13 December 2019. Collection method: clinical testing. Allele origin: germline.
Comment: This variant was observed in the ICSL laboratory as part of a predisposition screen in an ostensibly healthy population. It had not been previously curated by ICSL or reported in the Human Gene Mutation Database (HGMD: prior to June 1st, 2018), and was therefore a candidate for classification through an automated scoring system. Utilizing variant allele frequency, disease prevalence and penetrance estimates, and inheritance mode, an automated score was calculated to assess if this variant is too frequent to cause the disease. Based on the score and internal cut-off values, a variant classified as benign is not then subjected to further curation. The score for this variant resulted in a classification of benign for this disease.

NM_001111.5(ADAR):c.*898G>A

Gene: ADAR (adenosine deaminase RNA specific; minus strand). Cytogenetic location: 1q21.3.
Variant type: single nucleotide variant.
Coding change: c.*898G>A on transcript NM_001111.5 (MANE Select); 898 bases downstream of the stop codon, G replaced by A.
Molecular consequence: 3 prime UTR variant.
Genome position (GRCh38, 1-based): chr1:154,583,908, C>T on the plus strand (G>A on the coding strand, the complement: ADAR is on the minus strand). VCF-style: chr1-154583908-C-T. GRCh37 (hg19) VCF-style: chr1-154556384-C-T.
Other names: c.*898G>A (LRG_1212t1, NM_001025107.3, NM_001193495.2 and 7 more transcripts).
Identifiers: ClinVar variation 292732 (VCV000292732.5), dbSNP rs140910871, ClinGen allele CA10608282.